The following is an entry in ClinVar:

NM_003500.4(ACOX2):c.1943G>A (p.Arg648His)

Gene: ACOX2 (acyl-CoA oxidase 2; minus strand). Cytogenetic location: 3p14.3.
Variant type: single nucleotide variant.
Coding change: c.1943G>A on transcript NM_003500.4 (MANE Select); coding-DNA position 1943, G replaced by A.
Protein change: p.Arg648His; replaces arginine 648 with histidine.
Molecular consequence: missense variant.
Genome position (GRCh38, 1-based): chr3:58,508,933, C>T on the plus strand (G>A on the coding strand, the complement: ACOX2 is on the minus strand). VCF-style: chr3-58508933-C-T. GRCh37 (hg19) VCF-style: chr3-58494660-C-T.
Other names: c.1943G>A (NM_003500.3); short protein forms R648H.
Identifiers: ClinVar variation 3647444 (VCV003647444.4).

ClinVar aggregate classification (germline): Uncertain significance. Review status: criteria provided, multiple submitters, no conflicts (2 of 4 stars). 3 submissions from 3 submitters: Uncertain significance (3). Last evaluated 2026-06-12.

Conditions:
ACOX2-related disorder. Also called: ACOX2-related condition.

gnomAD v4.1: 78 of 1,614,164 alleles (0.0048%); highest among the groups gnomAD compares: African/African-American, 0.008%; no homozygotes.

Submissions (3):

PreventionGenetics, part of Exact Sciences
Classification: Uncertain significance for ACOX2-related condition. Last evaluated: 2026-06-12. Review status: criteria provided, single submitter. Criteria: ACMG Guidelines, 2015. Collection method: clinical testing. Allele origin: germline.
Comment: The ACOX2 c.1943G>A variant is predicted to result in the amino acid substitution p.Arg648His. To our knowledge, this variant has not been reported in the literature. This variant is reported in 0.0062% of alleles in individuals of African descent in gnomAD. At this time, the clinical significance of this variant is uncertain due to the absence of conclusive functional and genetic evidence.

Ambry Genetics
Classification: Uncertain significance. Last evaluated: 2024-12-11. Review status: criteria provided, single submitter. Criteria: Ambry Variant Classification Scheme 2023. Collection method: clinical testing. Allele origin: germline.

Labcorp Genetics (formerly Invitae), Labcorp
Classification: Uncertain significance. Last evaluated: 2024-10-16. Review status: criteria provided, single submitter. Criteria: Invitae Variant Classification Sherloc (09022015). Collection method: clinical testing. Allele origin: germline.
Comment: This sequence change replaces arginine, which is basic and polar, with histidine, which is basic and polar, at codon 648 of the ACOX2 protein (p.Arg648His). This variant is present in population databases (no rsID available, gnomAD 0.007%). This variant has not been reported in the literature in individuals affected with ACOX2-related conditions. An algorithm developed to predict the effect of missense changes on protein structure and function (PolyPhen-2) suggests that this variant is likely to be disruptive. In summary, the available evidence is currently insufficient to determine the role of this variant in disease. Therefore, it has been classified as a Variant of Uncertain Significance.